The following is an entry in ClinVar:

ClinVar aggregate classification (germline): Benign. Review status: criteria provided, multiple submitters, no conflicts (2 of 4 stars). 5 submissions from 5 submitters: Benign (5). Last evaluated 2026-01-28.

Conditions:
Monilethrix. Also called: Beaded hair. Identifiers: Orphanet 573, MedGen C0546966, MONDO:0008009, HP:0032470.

Allele frequency attached by ClinVar (database versions not stated): 1000 Genomes Project 30x 0.00671; 1000 Genomes Project 0.00739; ExAC 0.01186; gnomAD 0.01205 and 0.01263; TOPMed 0.01238; ESP Exome Variant Server 0.01361.
gnomAD v4.1: 24,420 of 1,613,780 alleles (1.5%); highest among the groups gnomAD compares: Middle Eastern, 1.8%; 249 homozygotes.

Submissions (5):

Labcorp Genetics (formerly Invitae), Labcorp
Classification: Benign. Last evaluated: 2026-01-28. Review status: criteria provided, single submitter. Criteria: Invitae Variant Classification Sherloc (09022015). Collection method: clinical testing. Allele origin: germline.

CeGaT Center for Human Genetics Tuebingen
Classification: Benign. Last evaluated: 2023-02-01. Review status: criteria provided, single submitter. Criteria: CeGaT Center For Human Genetics Tuebingen Variant Classification Criteria Version 2. Collection method: clinical testing. Allele origin: germline. Affected: yes. Observed: 1 variant allele.
Comment: KRT83: BS1, BS2

Eurofins Ntd Llc (ga)
Classification: Benign. Last evaluated: 2018-04-18. Review status: criteria provided, single submitter. Criteria: EGL ClinVar v180209 classification definitions. Collection method: clinical testing. Allele origin: germline. Observed: 3 variant alleles, 3 heterozygotes.

Illumina Laboratory Services, Illumina
Classification: Benign for Monilethrix-1. Last evaluated: 2018-01-12. Review status: criteria provided, single submitter. Criteria: ICSL Variant Classification Criteria 13 December 2019. Collection method: clinical testing. Allele origin: germline.
Comment: This variant was observed in the ICSL laboratory as part of a predisposition screen in an ostensibly healthy population. It had not been previously curated by ICSL or reported in the Human Gene Mutation Database (HGMD: prior to June 1st, 2018), and was therefore a candidate for classification through an automated scoring system. Utilizing variant allele frequency, disease prevalence and penetrance estimates, and inheritance mode, an automated score was calculated to assess if this variant is too frequent to cause the disease. Based on the score and internal cut-off values, a variant classified as benign is not then subjected to further curation. The score for this variant resulted in a classification of benign for this disease.

Breakthrough Genomics
Classification: Benign. Review status: criteria provided, single submitter. Criteria: ACMG Guidelines, 2015. Collection method: not provided. Allele origin: germline. Inheritance: Autosomal recessive inheritance. Affected: yes.

NM_002282.3(KRT83):c.601G>T (p.Glu201Ter)

Gene: KRT83 (keratin 83; minus strand). Cytogenetic location: 12q13.13.
Variant type: single nucleotide variant.
Coding change: c.601G>T on transcript NM_002282.3 (MANE Select); coding-DNA position 601, G replaced by T.
Protein change: p.Glu201Ter; replaces glutamic acid 201 with a stop codon.
Molecular consequence: nonsense.
Genome position (GRCh38, 1-based): chr12:52,317,963, C>A on the plus strand (G>T on the coding strand, the complement: KRT83 is on the minus strand). VCF-style: chr12-52317963-C-A. GRCh37 (hg19) VCF-style: chr12-52711747-C-A.
Other names: short protein forms E201*.
Identifiers: ClinVar variation 309529 (VCV000309529.41), dbSNP rs146753414, ClinGen allele CA6577609.
Genomic context (GRCh38, chr12:52,317,963, plus strand): 5'-CACTCACCTTCTTTAGAGCCACAAACTCGTTCTCTGCTGTGGCTCGAAGTGCTACTTCTT[C>A]TTCATACCTGAGGTGAGCAGGGAGAACAGGACCTTGTCTGAACAGCTCTTGATCTTGGCC-3'